The following is an entry in ClinVar:

ClinVar aggregate classification (germline): Uncertain significance. Review status: criteria provided, multiple submitters, no conflicts (2 of 4 stars). 2 submissions from 2 submitters: Uncertain significance (2). Last evaluated 2025-09-14.

Conditions:
Wilson disease (WND). Also called: Wilson's disease. Identifiers: Orphanet 905, MedGen C0019202, MONDO:0010200, OMIM 277900. Disease mechanism: loss of function.

Allele frequency attached by ClinVar (database versions not stated): gnomAD exomes below 0.00001; ExAC 0.00001.
gnomAD v4.1: 7 of 1,614,272 alleles (0.00043%); highest among the groups gnomAD compares: Admixed American, 0.0033%; no homozygotes.

Submissions (2):

Labcorp Genetics (formerly Invitae), Labcorp
Classification: Uncertain significance for Wilson disease. Last evaluated: 2025-09-14. Review status: criteria provided, single submitter. Criteria: Invitae Variant Classification Sherloc (09022015). Collection method: clinical testing. Allele origin: germline.
Comment: This sequence change replaces serine, which is neutral and polar, with leucine, which is neutral and non-polar, at codon 1246 of the ATP7B protein (p.Ser1246Leu). This variant is present in population databases (rs759740939, gnomAD 0.006%). This variant has not been reported in the literature in individuals affected with ATP7B-related conditions. ClinVar contains an entry for this variant (Variation ID: 3073102). Invitae Evidence Modeling of protein sequence and biophysical properties (such as structural, functional, and spatial information, amino acid conservation, physicochemical variation, residue mobility, and thermodynamic stability) indicates that this missense variant is expected to disrupt ATP7B protein function with a positive predictive value of 80%. In summary, the available evidence is currently insufficient to determine the role of this variant in disease. Therefore, it has been classified as a Variant of Uncertain Significance.

All of Us Research Program, National Institutes of Health
Classification: Uncertain significance for Wilson disease. Last evaluated: 2023-11-30. Review status: criteria provided, single submitter. Criteria: ACMG Guidelines, 2015. Collection method: clinical testing. Allele origin: germline. Inheritance: Autosomal recessive inheritance. Observed: 1 variant allele, 1 heterozygote.
Comment: This study involves interpretation of variants in research participants for the purpose of population health screening. Participant phenotype was not available at the time of variant classification. Additional details can be found in publication PMID: 35346344, PMCID: PMC8962531

NM_000053.4(ATP7B):c.3737C>T (p.Ser1246Leu)

Gene: ATP7B (ATPase copper transporting beta; minus strand). Cytogenetic location: 13q14.3.
Variant type: single nucleotide variant.
Coding change: c.3737C>T on transcript NM_000053.4 (MANE Select); coding-DNA position 3737, C replaced by T.
Protein change: p.Ser1246Leu; replaces serine 1246 with leucine.
Molecular consequence: missense variant. On other transcripts: intron variant (1).
Genome position (GRCh38, 1-based): chr13:51,937,642, G>A on the plus strand (C>T on the coding strand, the complement: ATP7B is on the minus strand). VCF-style: chr13-51937642-G-A. GRCh37 (hg19) VCF-style: chr13-52511778-G-A.
Other names: c.3704C>T, p.Ser1235Leu (NM_001406514.1); c.3683C>T, p.Ser1228Leu (NM_001406515.1, NM_001406516.1); c.3641C>T, p.Ser1214Leu (NM_001406517.1, NM_001406518.1); c.3602C>T, p.Ser1201Leu (NM_001406519.1); c.3593C>T, p.Ser1198Leu (NM_001406520.1, NM_001406521.1, NM_001406522.1); c.3554C>T, p.Ser1185Leu (NM_001406523.1); c.3560C>T, p.Ser1187Leu (NM_001406524.1); c.3542C>T, p.Ser1181Leu (NM_001406525.1); and 21 more; short protein forms S1019L, S1030L, S1039L, S1052L, S1082L, S1084L, S1097L, S1103L.
Identifiers: ClinVar variation 3073102 (VCV003073102.3), dbSNP rs759740939, ClinGen allele CA6988577.
Genomic context (GRCh38, chr13:51,937,642, plus strand): 5'-CCCACCATGGCGACTTTCTTCCCTTTATTCTGGAGCTCCTGGACCTTGGCCACCTTGTGC[G>A]AAGGCAGCACCTCTGCAAAGACTTTGTTGATGCCAACCTAAGACAAAAGGAAGGCAATGC-3'
Protein context (NP_000044.2, residues 1236-1256): INKVFAEVLP[Ser1246Leu]HKVAKVQELQ